The following is an entry in ClinVar:

NM_004360.5(CDH1):c.1415C>A (p.Thr472Asn)

Gene: CDH1 (cadherin 1; plus strand). Cytogenetic location: 16q22.1.
Variant type: single nucleotide variant.
Coding change: c.1415C>A on transcript NM_004360.5 (MANE Select); coding-DNA position 1415, C replaced by A.
Protein change: p.Thr472Asn; replaces threonine 472 with asparagine.
Molecular consequence: missense variant. On other transcripts: 5 prime UTR variant (2).
Genome position (GRCh38, 1-based): chr16:68,815,609, C>A. VCF-style: chr16-68815609-C-A. GRCh37 (hg19) VCF-style: chr16-68849512-C-A.
Other names: c.1415C>A (NM_004360.3); c.1232C>A, p.Thr411Asn (NM_001317184.2); c.-134C>A (NM_001317185.2); c.-405C>A (NM_001317186.2); short protein forms T472N, T411N.
Identifiers: ClinVar variation 1493411 (VCV001493411.7), dbSNP rs2152134870, ClinGen allele CA396462954.

ClinVar aggregate classification (germline): Uncertain significance. Review status: criteria provided, multiple submitters, no conflicts (2 of 4 stars). 2 submissions from 2 submitters: Uncertain significance (2). Last evaluated 2024-10-28.

Conditions:
Hereditary cancer-predisposing syndrome. Also called: Neoplastic Syndromes, Hereditary; Tumor predisposition; Hereditary neoplastic syndrome; Hereditary Cancer Syndrome. Identifiers: Orphanet 140162, MedGen C0027672, MeSH D009386, MONDO:0015356.
Hereditary diffuse gastric adenocarcinoma (HDGC). Also called: DIFFUSE GASTRIC AND LOBULAR BREAST CANCER SYNDROME. Identifiers: Orphanet 26106, MedGen C1708349, MONDO:0007648, OMIM 137215.

Submissions (2):

Ambry Genetics
Classification: Uncertain significance for Hereditary cancer-predisposing syndrome. Last evaluated: 2024-10-28. Review status: criteria provided, single submitter. Criteria: Ambry Variant Classification Scheme 2023. Collection method: clinical testing. Allele origin: germline.
Comment: The p.T472N variant (also known as c.1415C>A), located in coding exon 10 of the CDH1 gene, results from a C to A substitution at nucleotide position 1415. The threonine at codon 472 is replaced by asparagine, an amino acid with similar properties. This amino acid position is conserved. In addition, this alteration is predicted to be tolerated by in silico analysis. Based on the available evidence, the clinical significance of this variant remains unclear.

Labcorp Genetics (formerly Invitae), Labcorp
Classification: Uncertain significance for Hereditary diffuse gastric adenocarcinoma. Last evaluated: 2021-08-14. Review status: criteria provided, single submitter. Criteria: Invitae Variant Classification Sherloc (09022015). Collection method: clinical testing. Allele origin: germline.
Comment: In summary, the available evidence is currently insufficient to determine the role of this variant in disease. Therefore, it has been classified as a Variant of Uncertain Significance. Algorithms developed to predict the effect of missense changes on protein structure and function are either unavailable or do not agree on the potential impact of this missense change (SIFT: "Deleterious"; PolyPhen-2: "Possibly Damaging"; Align-GVGD: "Class C0"). This variant has not been reported in the literature in individuals affected with CDH1-related conditions. This variant is not present in population databases (ExAC no frequency). This sequence change replaces threonine with asparagine at codon 472 of the CDH1 protein (p.Thr472Asn). The threonine residue is highly conserved and there is a small physicochemical difference between threonine and asparagine.